The following is an entry in ClinVar:

ClinVar aggregate classification (germline): Pathogenic (1 of 4 stars; one submission).

Conditions:
SOX3-related disorder. Also called: SOX3-related condition; SOX3-Related Disorders.

Submission:

Women's Health and Genetics/Laboratory Corporation of America, LabCorp
Classification: Pathogenic for SOX3-Related Disorders. Last evaluated: 2026-05-11. Review status: criteria provided, single submitter. Criteria: LabCorp Variant Classification Summary - May 2015. Collection method: clinical testing. Allele origin: germline.
Comment: Variant summary: The variant involves the duplication of exon 1 of the SOX3 gene. A presumed nomenclature of c.(?_-10)_(*735_?)dup has been designated for the purposes of this classification. This duplication includes the entire coding sequence of the gene. It is assumed to be a tandem duplication in direct orientation (PMIDs: 25640679, 30054569). As exact breakpoints are unknown, it may extend beyond the annotated region of the gene, to include other flanking genes. A large duplication involving the SOX3 gene in isolation (size: ~380.5 kb) was found at a frequency of 1.1e-05 in 95198 control chromosomes in the gnomAD database (Structural Variants v4.1 dataset). The duplication of the SOX3 gene has been observed in multiple individuals affected with SOX3-Related Disorders. Duplications in males have been reported with congenital hypopituitarism (CH; ranging from isolated growth hormone insufficiency/deficiency to panhypopituitarism) with or without intellectual disability (ID); in addition, some of these cases were also affected with a spectrum of neural tube defects (NTDs), indicating a reduced penetrance for the NTD sub-phenotype (e.g. Arya_2019). Of note, (rarely) apparently phenotypically normal males were also reported. Duplications of SOX3 have also been reported in females affected with NTDs (e.g. Hureaux_2019, Butler_2022). The smallest region of overlap (SRO) in these affected cases was confined to the genomic region including only the SOX3 gene (e.g. Arya_2019, Hureaux_2019, Butler_2022). In addition, duplications of the SOX3 gene have been also reported in individuals with a distinct phenotype (46,XX sex reversal), however this phenotype was also described with deletions and insertions affecting SOX3 regulatory regions, and was observed in cases with inversion- and ectopic (dislocated) duplication of the SOX3 gene, suggesting altered regulation (rather than increased gene dosage of SOX3) as a probable mechanism for this phenotype (PMIDs: 31523625, 36416214, 38721146, 21183788, 35164824, 36189645, 41680906, 25781358). These data indicate that tandem duplications of the SOX3 gene are very likely to be associated with disease. To our knowledge, no experimental evidence demonstrating an impact on protein function has been reported. The following publications have been ascertained in the context of this evaluation (PMID: 31678974, 31299102, 35098650). ClinVar contains an entry for this variant (Variation ID: 3391866). Based on the evidence outlined above, the variant was classified as pathogenic.

Literature cited by the submitters: PubMed 31678974; PubMed 35098650; PubMed 31299102.

NC_000023.10:g.(?_139585150)_(139587235_?)dup

Gene: SOX3 (SRY-box transcription factor 3; minus strand). Cytogenetic location: Xq27.1.
Variant type: Duplication.
Identifiers: ClinVar variation 4853247 (VCV004853247.1).